The following is an entry in ClinVar:

NM_018139.3(DNAAF2):c.2460T>C (p.His820=)

Gene: DNAAF2 (dynein axonemal assembly factor 2; minus strand). Cytogenetic location: 14q21.3.
Variant type: single nucleotide variant.
Coding change: c.2460T>C on transcript NM_018139.3 (MANE Select); coding-DNA position 2460, T replaced by C.
Protein change: p.His820=; no amino-acid change (histidine 820 retained).
Molecular consequence: synonymous variant.
Genome position (GRCh38, 1-based): chr14:49,625,596, A>G on the plus strand (T>C on the coding strand, the complement: DNAAF2 is on the minus strand). VCF-style: chr14-49625596-A-G. GRCh37 (hg19) VCF-style: chr14-50092314-A-G.
Other names: c.2460T>C (NM_018139.2); c.2316T>C, p.His772= (NM_001083908.2); c.249T>C, p.His83= (NM_001378453.1).
Identifiers: ClinVar variation 1560719 (VCV001560719.10), dbSNP rs909774302, ClinGen allele CA260661984.

ClinVar aggregate classification (germline): Likely benign. Review status: criteria provided, single submitter (1 of 4 stars). 2 submissions from 2 submitters: Likely benign (1). 1 of the submissions does not count toward it. Last evaluated 2021-07-27.

Conditions:
Primary ciliary dyskinesia. Also called: Ciliary dyskinesia. Identifiers: Orphanet 244, MedGen C0008780, MONDO:0016575, HP:0012265.
DNAAF2-related disorder. Also called: DNAAF2-related condition.

Allele frequency attached by ClinVar (database versions not stated): gnomAD exomes below 0.00001.
gnomAD v4.1: 2 of 1,610,834 alleles (0.00012%); highest among the groups gnomAD compares: Non-Finnish European, 0.00017%; no homozygotes.

Submissions (2):

Labcorp Genetics (formerly Invitae), Labcorp
Classification: Likely benign for Primary ciliary dyskinesia. Last evaluated: 2021-07-27. Review status: criteria provided, single submitter. Criteria: Invitae Variant Classification Sherloc (09022015). Collection method: clinical testing. Allele origin: germline.

PreventionGenetics, part of Exact Sciences
Classification: Likely benign for DNAAF2-related condition. Last evaluated: 2020-12-22. Review status: no assertion criteria provided. Collection method: clinical testing. Allele origin: germline. Not counted in ClinVar's aggregate classification.
Comment: This variant is classified as likely benign based on ACMG/AMP sequence variant interpretation guidelines (Richards et al. 2015 PMID: 25741868, with internal and published modifications).